The following is an entry in ClinVar:

NM_024334.3(TMEM43):c.1180G>A (p.Val394Met)

Gene: TMEM43 (transmembrane protein 43; plus strand). Cytogenetic location: 3p25.1.
Variant type: single nucleotide variant.
Coding change: c.1180G>A on transcript NM_024334.3 (MANE Select); coding-DNA position 1180, G replaced by A.
Protein change: p.Val394Met; replaces valine 394 with methionine.
Molecular consequence: missense variant.
Genome position (GRCh38, 1-based): chr3:14,141,772, G>A. VCF-style: chr3-14141772-G-A. GRCh37 (hg19) VCF-style: chr3-14183272-G-A.
Other names: short protein forms V394M.
Identifiers: ClinVar variation 921088 (VCV000921088.5), dbSNP rs758697367, ClinGen allele CA051405.
Genomic context (GRCh38, chr3:14,141,772, plus strand): 5'-CTGTGGGCCCTCCTCATTGCCGGCCTGGCCCTTGTGCCCATCCTTGTTGCTCGGACACGG[G>A]TGCCAGCCAAAAAGTTGGAGTGAAAAGACCCTGGCACCCGCCCGACACCTGCGTGAGCCC-3'
Protein context (NP_077310.1, residues 384-400): LVPILVARTR[Val394Met]PAKKLE

ClinVar aggregate classification (germline): Uncertain significance. Review status: criteria provided, multiple submitters, no conflicts (2 of 4 stars). 2 submissions from 2 submitters: Uncertain significance (2). Last evaluated 2024-03-06.

Conditions:
Cardiomyopathy (CMYO). Also called: Cardiomyopathies. Identifiers: Orphanet 167848, MedGen C0878544, MONDO:0004994, HP:0001638. Inheritance: Various modes of inheritance.
Arrhythmogenic right ventricular dysplasia 5. Also called: Arrhythmogenic Right Ventricular Dysplasia/Cardiomyopathy 5; ARRHYTHMOGENIC RIGHT VENTRICULAR DYSPLASIA, FAMILIAL, 5. Identifiers: MedGen C1858379, MONDO:0011459, OMIM 604400.

Allele frequency attached by ClinVar (database versions not stated): ExAC 0.00001; gnomAD 0.00001; gnomAD exomes 0.00001 and below 0.00001; TOPMed below 0.00001.
gnomAD v4.1: 7 of 1,613,640 alleles (0.00043%); highest among the groups gnomAD compares: Admixed American, 0.0067%; no homozygotes.

Submissions (2):

Color Diagnostics, LLC DBA Color Health
Classification: Uncertain significance for Cardiomyopathy. Last evaluated: 2024-03-06. Review status: criteria provided, single submitter. Criteria: ACMG Guidelines, 2015. Collection method: clinical testing. Allele origin: germline.
Comment: This missense variant replaces valine with methionine at codon 394 of the TMEM43 protein. Computational prediction suggests that this variant may not impact protein structure and function (internally defined REVEL score threshold <= 0.5, PMID: 27666373). Splice site prediction tools suggest that this variant may not impact RNA splicing. To our knowledge, functional studies have not been performed for this variant. This variant has not been reported in individuals affected with cardiovascular disorders in the literature. This variant has been identified in 3/250958 chromosomes in the general population by the Genome Aggregation Database (gnomAD). The available evidence is insufficient to determine the role of this variant in disease conclusively. Therefore, this variant is classified as a Variant of Uncertain Significance.

All of Us Research Program, National Institutes of Health
Classification: Uncertain significance for Arrhythmogenic right ventricular dysplasia 5. Last evaluated: 2023-12-01. Review status: criteria provided, single submitter. Criteria: ACMG Guidelines, 2015. Collection method: clinical testing. Allele origin: germline. Inheritance: Autosomal dominant inheritance. Observed: 1 variant allele, 1 heterozygote.
Comment: This missense variant replaces valine with methionine at codon 394 of the TMEM43 protein. Computational prediction suggests that this variant may not impact protein structure and function (internally defined REVEL score threshold <= 0.5, PMID: 27666373). Splice site prediction tools suggest that this variant may not impact RNA splicing. To our knowledge, functional studies have not been performed for this variant. This variant has not been reported in individuals affected with cardiovascular disorders in the literature. This variant has been identified in 3/250958 chromosomes in the general population by the Genome Aggregation Database (gnomAD). The available evidence is insufficient to determine the role of this variant in disease conclusively. Therefore, this variant is classified as a Variant of Uncertain Significance.

This study involves interpretation of variants in research participants for the purpose of population health screening. Participant phenotype was not available at the time of variant classification. Additional details can be found in publication PMID: 35346344, PMCID: PMC8962531